The following is an entry in ClinVar:

ClinVar aggregate classification (germline): Uncertain significance (1 of 4 stars; one submission).

gnomAD v4.1: 3 of 1,613,852 alleles (0.00019%); highest among the groups gnomAD compares: Admixed American, 0.005%; no homozygotes.

Submission:

Labcorp Genetics (formerly Invitae), Labcorp
Classification: Uncertain significance. Last evaluated: 2025-01-06. Review status: criteria provided, single submitter. Criteria: Invitae Variant Classification Sherloc (09022015). Collection method: clinical testing. Allele origin: germline.
Comment: This sequence change replaces serine, which is neutral and polar, with cysteine, which is neutral and slightly polar, at codon 1034 of the TECTA protein (p.Ser1034Cys). This variant is present in population databases (rs180756361, gnomAD 0.003%). This variant has not been reported in the literature in individuals affected with TECTA-related conditions. Invitae Evidence Modeling of protein sequence and biophysical properties (such as structural, functional, and spatial information, amino acid conservation, physicochemical variation, residue mobility, and thermodynamic stability) indicates that this missense variant is not expected to disrupt TECTA protein function with a negative predictive value of 95%. In summary, the available evidence is currently insufficient to determine the role of this variant in disease. Therefore, it has been classified as a Variant of Uncertain Significance.

NM_005422.4(TECTA):c.3100A>T (p.Ser1034Cys)

Genes: TBCEL-TECTA (TBCEL-TECTA readthrough; plus strand), TECTA (tectorin alpha; plus strand). Cytogenetic location: 11q23.3.
Variant type: single nucleotide variant.
Coding change: c.3100A>T on transcript NM_005422.4 (MANE Select); coding-DNA position 3100, A replaced by T.
Protein change: p.Ser1034Cys; replaces serine 1034 with cysteine.
Molecular consequence: missense variant.
Genome position (GRCh38, 1-based): chr11:121,137,579, A>T. VCF-style: chr11-121137579-A-T. GRCh37 (hg19) VCF-style: chr11-121008288-A-T.
Other names: c.4057A>T, p.Ser1353Cys (NM_001378761.1); short protein forms S1034C, S1353C.
Identifiers: ClinVar variation 3660615 (VCV003660615.2).